The following is an entry in ClinVar:

ClinVar aggregate classification (germline): Pathogenic (1 of 4 stars; one submission).

Conditions:
Ellis-van Creveld syndrome (EVC). Also called: MESOECTODERMAL DYSPLASIA; Chondroectodermal dysplasia. Identifiers: Orphanet 289, MedGen C0013903, MONDO:0009162, OMIM 225500.

Submission:

Myriad Genetics, Inc.
Classification: Pathogenic for Ellis-van Creveld syndrome. Last evaluated: 2025-09-28. Review status: criteria provided, single submitter. Criteria: Myriad Autosomal Dominant, Autosomal Recessive and X-Linked Classification Criteria (2023). Collection method: clinical testing. Allele origin: unknown.
Comment: NM_153717.2(EVC):c.996delT(F332Lfs*11) is expected to be pathogenic in the context of EVC-related Ellis-van Creveld syndrome. This variant is predicted to lead to an abnormal or absent protein product due to the creation of a premature termination codon in EVC, a gene where loss-of-function variants are known to be pathogenic. Please note: this variant was assessed in the context of healthy population screening.

NM_153717.3(EVC):c.996del (p.Phe332fs)

Gene: EVC (EvC ciliary complex subunit 1; plus strand). Cytogenetic location: 4p16.2.
Variant type: Deletion.
Coding change: c.996del on transcript NM_153717.3 (MANE Select); coding-DNA position 996, one base deleted (T; older notation c.996delT).
Protein change: p.Phe332fs; shifts the reading frame from phenylalanine 332.
Molecular consequence: frameshift variant.
Genome position (GRCh38, 1-based): chr4:5,748,204, T deleted; the last of 3 consecutive T bases (chr4:5,748,202-5,748,204); deleting any one gives the same sequence. VCF-style (leftmost placement, unchanged base first): chr4-5748201-GT-G. GRCh37 (hg19) VCF-style: chr4-5749928-GT-G.
Other names: c.996del, p.Phe332fs (NM_001306090.2, NM_001306092.2); short protein forms F332fs.
Identifiers: ClinVar variation 5015029 (VCV005015029.1).